The following is an entry in ClinVar:

NM_000368.5(TSC1):c.1237C>A (p.Gln413Lys)

Gene: TSC1 (TSC complex subunit 1; minus strand). Cytogenetic location: 9q34.13.
Variant type: single nucleotide variant.
Coding change: c.1237C>A on transcript NM_000368.5 (MANE Select); coding-DNA position 1237, C replaced by A.
Protein change: p.Gln413Lys; replaces glutamine 413 with lysine.
Molecular consequence: missense variant. On other transcripts: non-coding transcript variant (5).
Genome position (GRCh38, 1-based): chr9:132,910,597, G>T on the plus strand (C>A on the coding strand, the complement: TSC1 is on the minus strand). VCF-style: chr9-132910597-G-T. GRCh37 (hg19) VCF-style: chr9-135785984-G-T.
Other names: c.874C>A, p.Gln292Lys (NM_001362177.2, NM_001406614.1, NM_001406615.1 and 5 more transcripts); c.1237C>A, p.Gln413Lys (NM_001406592.1, NM_001406593.1, NM_001406594.1 and 7 more transcripts); c.1234C>A, p.Gln412Lys (NM_001406597.1, NM_001406598.1, NM_001406599.1 and 6 more transcripts); c.184C>A, p.Gln62Lys (NM_001406629.1, NM_001406630.1); c.1084C>A, p.Gln362Lys (NM_001406610.1, NM_001162427.2); c.1081C>A, p.Gln361Lys (NM_001406611.1, NM_001406612.1, NM_001406613.1); c.871C>A, p.Gln291Lys (NM_001406620.1, NM_001406621.1, NM_001406622.1 and 2 more transcripts); c.286C>A, p.Gln96Lys (NM_001406626.1); and 1 more; short protein forms Q412K, Q413K, Q96K, Q291K, Q292K, Q362K, Q62K, Q361K.
Identifiers: ClinVar variation 3720854 (VCV003720854.2).

ClinVar aggregate classification (germline): Uncertain significance (1 of 4 stars; one submission).

Conditions:
Tuberous sclerosis 1 (TSC1). Identifiers: Orphanet 805, MedGen C1854465, MONDO:0008612, OMIM 191100.

Submission:

Labcorp Genetics (formerly Invitae), Labcorp
Classification: Uncertain significance for Tuberous sclerosis 1. Last evaluated: 2024-12-15. Review status: criteria provided, single submitter. Criteria: Invitae Variant Classification Sherloc (09022015). Collection method: clinical testing. Allele origin: germline.
Comment: This sequence change replaces glutamine, which is neutral and polar, with lysine, which is basic and polar, at codon 413 of the TSC1 protein (p.Gln413Lys). This variant is not present in population databases (gnomAD no frequency). This variant has not been reported in the literature in individuals affected with TSC1-related conditions. Invitae Evidence Modeling of protein sequence and biophysical properties (such as structural, functional, and spatial information, amino acid conservation, physicochemical variation, residue mobility, and thermodynamic stability) indicates that this missense variant is not expected to disrupt TSC1 protein function with a negative predictive value of 95%. In summary, the available evidence is currently insufficient to determine the role of this variant in disease. Therefore, it has been classified as a Variant of Uncertain Significance.